The following is an entry in ClinVar:

NM_001113378.2(FANCI):c.2111A>T (p.Asp704Val)

Gene: FANCI (FA complementation group I; plus strand). Cytogenetic location: 15q26.1.
Variant type: single nucleotide variant.
Coding change: c.2111A>T on transcript NM_001113378.2 (MANE Select); coding-DNA position 2111, A replaced by T.
Protein change: p.Asp704Val; replaces aspartic acid 704 with valine.
Molecular consequence: missense variant.
Genome position (GRCh38, 1-based): chr15:89,292,806, A>T. VCF-style: chr15-89292806-A-T. GRCh37 (hg19) VCF-style: chr15-89836037-A-T.
Other names: c.1832A>T, p.Asp611Val (NM_001376910.1); c.2111A>T, p.Asp704Val (NM_001376911.1, NM_018193.3); short protein forms D611V, D704V.
Identifiers: ClinVar variation 2112240 (VCV002112240.4), dbSNP rs2507393654, ClinGen allele CA393749115.

ClinVar aggregate classification (germline): Uncertain significance (1 of 4 stars; one submission).

Conditions:
Fanconi anemia (FA). Also called: Fanconi's anemia. Identifiers: Orphanet 84, MedGen C0015625, MeSH D005199, MONDO:0019391.

Submission:

Labcorp Genetics (formerly Invitae), Labcorp
Classification: Uncertain significance for Fanconi anemia. Last evaluated: 2022-03-15. Review status: criteria provided, single submitter. Criteria: Invitae Variant Classification Sherloc (09022015). Collection method: clinical testing. Allele origin: germline.
Comment: In summary, the available evidence is currently insufficient to determine the role of this variant in disease. Therefore, it has been classified as a Variant of Uncertain Significance. Algorithms developed to predict the effect of missense changes on protein structure and function (SIFT, PolyPhen-2, Align-GVGD) all suggest that this variant is likely to be tolerated. This variant has not been reported in the literature in individuals affected with FANCI-related conditions. This variant is not present in population databases (gnomAD no frequency). This sequence change replaces aspartic acid, which is acidic and polar, with valine, which is neutral and non-polar, at codon 704 of the FANCI protein (p.Asp704Val).